The following is an entry in ClinVar:

NM_014297.5(ETHE1):c.505+1G>C

Gene: ETHE1 (ETHE1 persulfide dioxygenase; minus strand). Cytogenetic location: 19q13.31.
Variant type: single nucleotide variant.
Coding change: c.505+1G>C on transcript NM_014297.5 (MANE Select); the canonical splice donor site of the intron after coding-DNA position 505, G replaced by C.
Molecular consequence: splice donor variant.
Genome position (GRCh38, 1-based): chr19:43,511,436, C>G on the plus strand (G>C on the coding strand, the complement: ETHE1 is on the minus strand). VCF-style: chr19-43511436-C-G. GRCh37 (hg19) VCF-style: chr19-44015588-C-G.
Other names: c.211+1G>C (NM_001320869.2); c.136+1G>C (NM_001320868.2); c.472+1G>C (NM_001320867.2).
Identifiers: ClinVar variation 430736 (VCV000430736.2), dbSNP rs935855792, ClinGen allele CA406175433.

ClinVar aggregate classification (germline): Pathogenic (0 of 4 stars; one submission).

Conditions:
Ethylmalonic encephalopathy (EE). Also called: EPEMA syndrome; Encephalopathy, petechiae, and ethylmalonic aciduria; Syndrome of encephalopathy, petechiae, and ethylmalonic aciduria. Identifiers: Orphanet 51188, MedGen C1865349, MONDO:0011229, OMIM 602473. Disease mechanism: loss of function.

Submission:

Foundation for Research in Genetics and Endocrinology, FRIGE's Institute of Human Genetics
Classification: Pathogenic for Ethylmalonic encephalopathy. Last evaluated: 2017-07-10. Review status: no assertion criteria provided. Collection method: clinical testing. Allele origin: germline. Inheritance: Autosomal recessive inheritance. Affected: no. Observed: 1 variant allele, 1 heterozygote.
Comment: This variant has not been reported in 1000 genome and ExAC. However, it is described as probably damaging by mutation taster. It has been reported by Trivati et al. 2004.